The following is an entry in ClinVar:

ClinVar aggregate classification (germline): Uncertain significance (1 of 4 stars; one submission).

gnomAD v4.1: 26 of 1,611,914 alleles (0.0016%); highest among the groups gnomAD compares: Middle Eastern, 0.017%; no homozygotes.

Submission:

Labcorp Genetics (formerly Invitae), Labcorp
Classification: Uncertain significance. Last evaluated: 2024-08-31. Review status: criteria provided, single submitter. Criteria: Invitae Variant Classification Sherloc (09022015). Collection method: clinical testing. Allele origin: germline.
Comment: This sequence change replaces arginine, which is basic and polar, with cysteine, which is neutral and slightly polar, at codon 521 of the PCK2 protein (p.Arg521Cys). This variant is present in population databases (rs146891790, gnomAD 0.005%). This variant has not been reported in the literature in individuals affected with PCK2-related conditions. Invitae Evidence Modeling of protein sequence and biophysical properties (such as structural, functional, and spatial information, amino acid conservation, physicochemical variation, residue mobility, and thermodynamic stability) indicates that this missense variant is not expected to disrupt PCK2 protein function with a negative predictive value of 80%. In summary, the available evidence is currently insufficient to determine the role of this variant in disease. Therefore, it has been classified as a Variant of Uncertain Significance.

NM_004563.4(PCK2):c.1561C>T (p.Arg521Cys)

Genes: NRL (neural retina leucine zipper; minus strand), PCK2 (phosphoenolpyruvate carboxykinase 2, mitochondrial; plus strand). Cytogenetic location: 14q12.
Variant type: single nucleotide variant.
Coding change: c.1561C>T on transcript NM_004563.4 (MANE Select); coding-DNA position 1561, C replaced by T.
Protein change: p.Arg521Cys; replaces arginine 521 with cysteine.
Molecular consequence: missense variant. On other transcripts: intron variant (3).
Genome position (GRCh38, 1-based): chr14:24,103,602, C>T. VCF-style: chr14-24103602-C-T. GRCh37 (hg19) VCF-style: chr14-24572811-C-T.
Other names: c.1159C>T, p.Arg387Cys (NM_001291556.2, NM_001308054.2); c.-28+11120G>A (NM_001354768.3, NM_001354770.2); c.-254+11120G>A (NM_006177.5); short protein forms R387C, R521C.
Identifiers: ClinVar variation 3619263 (VCV003619263.2).